The following is an entry in ClinVar:

NM_001244008.2(KIF1A):c.5014C>G (p.Arg1672Gly)

Gene: KIF1A (kinesin family member 1A; minus strand). Cytogenetic location: 2q37.3.
Variant type: single nucleotide variant.
Coding change: c.5014C>G on transcript NM_001244008.2 (MANE Select); coding-DNA position 5014, C replaced by G.
Protein change: p.Arg1672Gly; replaces arginine 1672 with glycine.
Molecular consequence: missense variant.
Genome position (GRCh38, 1-based): chr2:240,719,781, G>C on the plus strand (C>G on the coding strand, the complement: KIF1A is on the minus strand). VCF-style: chr2-240719781-G-C. GRCh37 (hg19) VCF-style: chr2-241659198-G-C.
Other names: c.4738C>G, p.Arg1580Gly (NM_001320705.2, NM_001379649.1); c.4765C>G, p.Arg1589Gly (NM_001330289.2); c.4813C>G, p.Arg1605Gly (NM_001330290.2, NM_001379648.1); c.5089C>G, p.Arg1697Gly (NM_001379631.1); c.4990C>G, p.Arg1664Gly (NM_001379632.1); c.4987C>G, p.Arg1663Gly (NM_001379633.1, NM_001379645.1); c.4840C>G, p.Arg1614Gly (NM_001379634.1); c.4837C>G, p.Arg1613Gly (NM_001379635.1, NM_001379646.1); and 7 more; short protein forms R1596G, R1605G, R1609G, R1664G, R1697G, R1570G, R1571G, R1588G.
Identifiers: ClinVar variation 5002554 (VCV005002554.1).

ClinVar aggregate classification (germline): Uncertain significance (1 of 4 stars; one submission).

Conditions:
KIF1A-related disorder. Also called: KIF1A-related disorders; KIF1A-related condition.

Submission:

PreventionGenetics, part of Exact Sciences
Classification: Uncertain significance for KIF1A-related condition. Last evaluated: 2025-06-15. Review status: criteria provided, single submitter. Criteria: ACMG Guidelines, 2015. Collection method: clinical testing. Allele origin: germline.
Comment: The KIF1A c.5014C>G variant is predicted to result in the amino acid substitution p.Arg1672Gly. To our knowledge, this variant has not been reported in the literature or in a large population database (gnomAD), indicating this variant is rare. At this time, the clinical significance of this variant is uncertain due to the absence of conclusive functional and genetic evidence.